The following is an entry in ClinVar:

NM_014249.4(NR2E3):c.1101-14T>G

Gene: NR2E3 (nuclear receptor subfamily 2 group E member 3; plus strand). Cytogenetic location: 15q23.
Variant type: single nucleotide variant.
Coding change: c.1101-14T>G on transcript NM_014249.4 (MANE Select); 14 bases into the intron before coding-DNA position 1101, T replaced by G.
Molecular consequence: intron variant.
Genome position (GRCh38, 1-based): chr15:71,817,538, T>G. VCF-style: chr15-71817538-T-G. GRCh37 (hg19) VCF-style: chr15-72109879-T-G.
Identifiers: ClinVar variation 4754854 (VCV004754854.1).

ClinVar aggregate classification (germline): Uncertain significance (1 of 4 stars; one submission).

gnomAD v4.1: 1 of 1,576,990 alleles (0.000063%); highest among the groups gnomAD compares: Admixed American, 0.0017%; no homozygotes.

Submission:

Labcorp Genetics (formerly Invitae), Labcorp
Classification: Uncertain significance. Last evaluated: 2025-07-24. Review status: criteria provided, single submitter. Criteria: Invitae Variant Classification Sherloc (09022015). Collection method: clinical testing. Allele origin: germline.
Comment: This sequence change falls in intron 7 of the NR2E3 gene. It does not directly change the encoded amino acid sequence of the NR2E3 protein. This variant is not present in population databases (gnomAD no frequency). This variant has not been reported in the literature in individuals affected with NR2E3-related conditions. Algorithms developed to predict the effect of sequence changes on RNA splicing suggest that this variant may disrupt the consensus splice site. In summary, the available evidence is currently insufficient to determine the role of this variant in disease. Therefore, it has been classified as a Variant of Uncertain Significance.